The following is an entry in ClinVar:

NM_015164.4(PLEKHM2):c.2509C>T (p.Arg837Trp)

Gene: PLEKHM2 (pleckstrin homology and RUN domain containing M2; plus strand). Cytogenetic location: 1p36.21.
Variant type: single nucleotide variant.
Coding change: c.2509C>T on transcript NM_015164.4 (MANE Select); coding-DNA position 2509, C replaced by T.
Protein change: p.Arg837Trp; replaces arginine 837 with tryptophan.
Molecular consequence: missense variant.
Genome position (GRCh38, 1-based): chr1:15,731,932, C>T. VCF-style: chr1-15731932-C-T. GRCh37 (hg19) VCF-style: chr1-16058427-C-T.
Other names: c.2509C>T (NM_015164.2); short protein forms R837W.
Identifiers: ClinVar variation 1018263 (VCV001018263.9), dbSNP rs374236339, ClinGen allele CA617283.

ClinVar aggregate classification (germline): Uncertain significance. Review status: criteria provided, multiple submitters, no conflicts (2 of 4 stars). 2 submissions from 2 submitters: Uncertain significance (2). Last evaluated 2025-10-18.

Allele frequency attached by ClinVar (database versions not stated): ExAC 0.00002; gnomAD exomes 0.00002 and 0.00004; gnomAD 0.00003 and 0.00004; TOPMed 0.00006; ESP Exome Variant Server 0.00008.
gnomAD v4.1: 67 of 1,611,278 alleles (0.0042%); highest among the groups gnomAD compares: Non-Finnish European, 0.0053%; no homozygotes.

Submissions (2):

Ambry Genetics
Classification: Uncertain significance. Last evaluated: 2025-10-18. Review status: criteria provided, single submitter. Criteria: Ambry Variant Classification Scheme 2023. Collection method: clinical testing. Allele origin: germline.

Labcorp Genetics (formerly Invitae), Labcorp
Classification: Uncertain significance. Last evaluated: 2024-03-22. Review status: criteria provided, single submitter. Criteria: Invitae Variant Classification Sherloc (09022015). Collection method: clinical testing. Allele origin: germline.
Comment: This sequence change replaces arginine, which is basic and polar, with tryptophan, which is neutral and slightly polar, at codon 837 of the PLEKHM2 protein (p.Arg837Trp). This variant is present in population databases (rs374236339, gnomAD 0.007%). This variant has not been reported in the literature in individuals affected with PLEKHM2-related conditions. ClinVar contains an entry for this variant (Variation ID: 1018263). An algorithm developed to predict the effect of missense changes on protein structure and function (PolyPhen-2) suggests that this variant is likely to be disruptive. Algorithms developed to predict the effect of sequence changes on RNA splicing suggest that this variant may disrupt the consensus splice site. In summary, the available evidence is currently insufficient to determine the role of this variant in disease. Therefore, it has been classified as a Variant of Uncertain Significance.